The following is an entry in ClinVar:

NM_006121.4(KRT1):c.482T>C (p.Leu161Pro)

Gene: KRT1 (keratin 1; minus strand). Cytogenetic location: 12q13.13.
Variant type: single nucleotide variant.
Coding change: c.482T>C on transcript NM_006121.4 (MANE Select); coding-DNA position 482, T replaced by C.
Protein change: p.Leu161Pro; replaces leucine 161 with proline.
Molecular consequence: missense variant.
Genome position (GRCh38, 1-based): chr12:52,679,867, A>G on the plus strand (T>C on the coding strand, the complement: KRT1 is on the minus strand). VCF-style: chr12-52679867-A-G. GRCh37 (hg19) VCF-style: chr12-53073651-A-G.
Other names: L160P; short protein forms L161P.
Identifiers: ClinVar variation 15908 (VCV000015908.8), dbSNP rs57695159, ClinGen allele CA126043.

ClinVar aggregate classification (germline): Pathogenic. Review status: criteria provided, single submitter (1 of 4 stars). 3 submissions from 3 submitters: Pathogenic (1). 2 of the submissions do not count toward it. Last evaluated 2023-03-20.

Conditions:
Epidermolytic ichthyosis. Also called: Bullous ichthyosiform erythroderma; KRT10-Related Epidermolytic Hyperkeratosis; Epidermolytic Hyperkeratosis; Congenital bullous ichthyosiform erythroderma. Identifiers: Orphanet 312, MedGen C0079153, MONDO:0007239, HP:0007475.

Submissions (3):

Labcorp Genetics (formerly Invitae), Labcorp
Classification: Pathogenic. Last evaluated: 2023-03-20. Review status: criteria provided, single submitter. Criteria: Invitae Variant Classification Sherloc (09022015). Collection method: clinical testing. Allele origin: germline.
Comment: This variant is not present in population databases (gnomAD no frequency). For these reasons, this variant has been classified as Pathogenic. Experimental studies have shown that this missense change affects KRT1 function (PMID: 1381288). Advanced modeling of protein sequence and biophysical properties (such as structural, functional, and spatial information, amino acid conservation, physicochemical variation, residue mobility, and thermodynamic stability) performed at Invitae indicates that this missense variant is expected to disrupt KRT1 protein function. ClinVar contains an entry for this variant (Variation ID: 15908). This variant is also known as leucine to proline amino acid substitution at codon 160. This missense change has been observed in individual(s) with epidermolytic ichthyosis (PMID: 1284546, 1381288). It has also been observed to segregate with disease in related individuals. This sequence change replaces leucine, which is neutral and non-polar, with proline, which is neutral and non-polar, at codon 161 of the KRT1 protein (p.Leu161Pro).

OMIM
Classification: Pathogenic for EPIDERMOLYTIC HYPERKERATOSIS 1. Last evaluated: 1992-09-04. Review status: no assertion criteria provided. Collection method: literature only. Allele origin: germline. Not counted in ClinVar's aggregate classification.

Epithelial Biology;  Institute of Medical Biology, Singapore
No classification provided. Review status: no classification provided. Collection method: not provided. Allele origin: not provided. Not counted in ClinVar's aggregate classification.

Literature cited by the submitters: PubMed 1381288 (cited by Labcorp Genetics (formerly Invitae), Labcorp and OMIM); PubMed 1284546 (cited by Labcorp Genetics (formerly Invitae), Labcorp); PubMed 7511022 (cited by OMIM).